The following is an entry in ClinVar:

ClinVar aggregate classification (germline): Uncertain significance (1 of 4 stars; one submission).

Allele frequency attached by ClinVar (database versions not stated): gnomAD exomes below 0.00001.
gnomAD v4.1: 3 of 1,613,848 alleles (0.00019%); highest among the groups gnomAD compares: South Asian, 0.0022%; no homozygotes.

Submission:

GeneDx
Classification: Uncertain significance. Last evaluated: 2017-04-06. Review status: criteria provided, single submitter. Criteria: GeneDx Variant Classification (06012015). Collection method: clinical testing. Allele origin: germline. Affected: yes.
Comment: The G2757R variant in the SACS gene has not been reported previously as a pathogenic variant, nor as a benign variant, to our knowledge. The G2757R variant is not observed in large population cohorts (Lek et al., 2016; 1000 Genomes Consortium et al., 2015; Exome Variant Server). The G2757R variant is a non-conservative amino acid substitution, which is likely to impact secondary protein structure as these residues differ in polarity, charge, size and/or other properties. This substitution occurs at a position that is conserved across species. In silico analysis predicts this variant is probably damaging to the protein structure/function. We interpret G2757R as a variant of uncertain significance.

NM_014363.6(SACS):c.8269G>A (p.Gly2757Arg)

Gene: SACS (sacsin molecular chaperone; minus strand). Cytogenetic location: 13q12.12.
Variant type: single nucleotide variant.
Coding change: c.8269G>A on transcript NM_014363.6 (MANE Select); coding-DNA position 8269, G replaced by A.
Protein change: p.Gly2757Arg; replaces glycine 2757 with arginine.
Molecular consequence: missense variant.
Genome position (GRCh38, 1-based): chr13:23,335,607, C>T on the plus strand (G>A on the coding strand, the complement: SACS is on the minus strand). VCF-style: chr13-23335607-C-T. GRCh37 (hg19) VCF-style: chr13-23909746-C-T.
Other names: c.7828G>A, p.Gly2610Arg (NM_001278055.2); short protein forms G2757R, G2610R.
Identifiers: ClinVar variation 426709 (VCV000426709.2), dbSNP rs1085307756, ClinGen allele CA387517004.